The following is an entry in ClinVar:

ClinVar aggregate classification (germline): Uncertain significance. Review status: criteria provided, multiple submitters, no conflicts (2 of 4 stars). 2 submissions from 2 submitters: Uncertain significance (2). Last evaluated 2025-04-16.

Conditions:
RASopathy. Also called: Noonan spectrum disorder; rasopathies. Identifiers: Orphanet 536391, MedGen C5555857, MONDO:0021060.
Cardiofaciocutaneous syndrome 4 (CFC4). Also called: MAP2K2-Related Cardiofaciocutaneous Syndrome. Identifiers: Orphanet 1340, MedGen C3809007, MONDO:0014114, OMIM 615280.

Allele frequency attached by ClinVar (database versions not stated): gnomAD exomes below 0.00001.
gnomAD v4.1: 1 of 1,605,240 alleles (0.000062%); highest among the groups gnomAD compares: Non-Finnish European, 0.000085%; no homozygotes.

Submissions (2):

ARUP Laboratories, Molecular Genetics and Genomics, ARUP Laboratories
Classification: Uncertain significance for Cardiofaciocutaneous syndrome 4. Last evaluated: 2025-04-16. Review status: criteria provided, single submitter. Criteria: ARUP Molecular Germline Variant Investigation Process 2024. Collection method: clinical testing. Allele origin: germline.
Comment: The MAP2K2 c.886C>T; p.Pro296Ser variant (rs2145049691), to our knowledge, is not reported in the medical literature but is reported in ClinVar (Variation ID: 2832213). This variant is absent from the Genome Aggregation Database (v2.1.1), indicating it is not a common polymorphism. Computational analyses predict that this variant is neutral (REVEL: 0.109). However, given the lack of clinical and functional data, the significance of this variant is uncertain at this time.

Labcorp Genetics (formerly Invitae), Labcorp
Classification: Uncertain significance for RASopathy. Last evaluated: 2023-12-02. Review status: criteria provided, single submitter. Criteria: Invitae Variant Classification Sherloc (09022015). Collection method: clinical testing. Allele origin: germline.
Comment: This sequence change replaces proline, which is neutral and non-polar, with serine, which is neutral and polar, at codon 296 of the MAP2K2 protein (p.Pro296Ser). This variant is not present in population databases (gnomAD no frequency). This variant has not been reported in the literature in individuals affected with MAP2K2-related conditions. Advanced modeling of protein sequence and biophysical properties (such as structural, functional, and spatial information, amino acid conservation, physicochemical variation, residue mobility, and thermodynamic stability) performed at Invitae indicates that this missense variant is not expected to disrupt MAP2K2 protein function with a negative predictive value of 95%. In summary, the available evidence is currently insufficient to determine the role of this variant in disease. Therefore, it has been classified as a Variant of Uncertain Significance.

NM_030662.4(MAP2K2):c.886C>T (p.Pro296Ser)

Gene: MAP2K2 (mitogen-activated protein kinase kinase 2; minus strand). Cytogenetic location: 19p13.3.
Variant type: single nucleotide variant.
Coding change: c.886C>T on transcript NM_030662.4 (MANE Select); coding-DNA position 886, C replaced by T.
Protein change: p.Pro296Ser; replaces proline 296 with serine.
Molecular consequence: missense variant.
Genome position (GRCh38, 1-based): chr19:4,099,234, G>A on the plus strand (C>T on the coding strand, the complement: MAP2K2 is on the minus strand). VCF-style: chr19-4099234-G-A. GRCh37 (hg19) VCF-style: chr19-4099232-G-A.
Other names: short protein forms P296S.
Identifiers: ClinVar variation 2832213 (VCV002832213.4), dbSNP rs2145049691, ClinGen allele CA403385251.